The following is an entry in ClinVar:

NM_002221.4(ITPKB):c.1764C>T (p.Ser588=)

Gene: ITPKB (inositol-trisphosphate 3-kinase B; minus strand). Cytogenetic location: 1q42.12.
Variant type: single nucleotide variant.
Coding change: c.1764C>T on transcript NM_002221.4 (MANE Select); coding-DNA position 1764, C replaced by T.
Protein change: p.Ser588=; no amino-acid change (serine 588 retained).
Molecular consequence: synonymous variant.
Genome position (GRCh38, 1-based): chr1:226,735,695, G>A on the plus strand (C>T on the coding strand, the complement: ITPKB is on the minus strand). VCF-style: chr1-226735695-G-A. GRCh37 (hg19) VCF-style: chr1-226923396-G-A.
Other names: c.1764C>T, p.Ser588= (NM_001388404.1).
Identifiers: ClinVar variation 2688336 (VCV002688336.3), dbSNP rs56095953, ClinGen allele CA1423865.

ClinVar aggregate classification (germline): Benign. Review status: criteria provided, multiple submitters, no conflicts (2 of 4 stars). 2 submissions from 2 submitters: Benign (2). Last evaluated 2026-01-23.

Allele frequency attached by ClinVar (database versions not stated): ESP Exome Variant Server 0.00100; gnomAD 0.01253; TOPMed 0.01582; ExAC 0.02588; 1000 Genomes Project 30x 0.04809; 1000 Genomes Project 0.04852.
gnomAD v4.1: 15,802 of 1,597,684 alleles (0.99%); highest among the groups gnomAD compares: Admixed American, 9.7%; 710 homozygotes.

Submissions (2):

Women's Health and Genetics/Laboratory Corporation of America, LabCorp
Classification: Benign. Last evaluated: 2026-01-23. Review status: criteria provided, single submitter. Criteria: LabCorp Variant Classification Summary - May 2015. Collection method: clinical testing. Allele origin: germline.

Unidad de Genómica Garrahan, Hospital de Pediatría Garrahan
Classification: Benign. Last evaluated: 2024-01-24. Review status: criteria provided, single submitter. Criteria: ACMG Guidelines, 2015. Collection method: clinical testing. Allele origin: germline. Affected: no. Observed: 20 variant alleles.
Comment: This variant is classified as Benign based on local population frequency. This variant was detected in 21% of patients studied by a panel of primary immunodeficiencies. Number of patients: 20. Only high quality variants are reported.